The following is an entry in ClinVar:

NM_014956.5(CEP164):c.3545G>A (p.Gly1182Asp)

Gene: CEP164 (centrosomal protein 164; plus strand). Cytogenetic location: 11q23.3.
Variant type: single nucleotide variant.
Coding change: c.3545G>A on transcript NM_014956.5 (MANE Select); coding-DNA position 3545, G replaced by A.
Protein change: p.Gly1182Asp; replaces glycine 1182 with aspartic acid.
Molecular consequence: missense variant.
Genome position (GRCh38, 1-based): chr11:117,407,968, G>A. VCF-style: chr11-117407968-G-A. GRCh37 (hg19) VCF-style: chr11-117278684-G-A.
Other names: c.3554G>A, p.Gly1185Asp (NM_001271933.2); short protein forms G1182D, G1185D.
Identifiers: ClinVar variation 1441144 (VCV001441144.6), dbSNP rs2136880769, ClinGen allele CA382740590.

ClinVar aggregate classification (germline): Uncertain significance (1 of 4 stars; one submission).

Conditions:
Nephronophthisis 15 (NPHP15). Identifiers: Orphanet 3156, MedGen C3541853, MONDO:0013917, OMIM 614845.

Submission:

Labcorp Genetics (formerly Invitae), Labcorp
Classification: Uncertain significance for Nephronophthisis 15. Last evaluated: 2021-09-10. Review status: criteria provided, single submitter. Criteria: Invitae Variant Classification Sherloc (09022015). Collection method: clinical testing. Allele origin: germline.
Comment: This sequence change replaces glycine with aspartic acid at codon 1182 of the CEP164 protein (p.Gly1182Asp). The glycine residue is highly conserved and there is a moderate physicochemical difference between glycine and aspartic acid. This variant is not present in population databases (ExAC no frequency). This variant has not been reported in the literature in individuals affected with CEP164-related conditions. Algorithms developed to predict the effect of missense changes on protein structure and function (SIFT, PolyPhen-2, Align-GVGD) all suggest that this variant is likely to be disruptive. In summary, the available evidence is currently insufficient to determine the role of this variant in disease. Therefore, it has been classified as a Variant of Uncertain Significance.